The following is an entry in ClinVar:

ClinVar aggregate classification (germline): Pathogenic/Likely pathogenic. Review status: criteria provided, multiple submitters, no conflicts (2 of 4 stars). 3 submissions from 3 submitters: Pathogenic (2); Likely pathogenic (1). Last evaluated 2024-08-31.

Conditions:
Hereditary cancer-predisposing syndrome. Also called: Neoplastic Syndromes, Hereditary; Hereditary neoplastic syndrome; Tumor predisposition; Hereditary Cancer Syndrome. Identifiers: Orphanet 140162, MedGen C0027672, MeSH D009386, MONDO:0015356.
Cardiovascular phenotype. Identifiers: MedGen CN230736.
Neurofibromatosis, type 1 (NF1). Also called: NEUROFIBROMATOSIS, TYPE I, SOMATIC; VON RECKLINGHAUSEN DISEASE; Peripheral type neurofibromatosis; Neurofibromatosis, type I. Identifiers: Orphanet 636, MedGen C0027831, MONDO:0018975, OMIM 162200. Disease mechanism: loss of function.

Submissions (3):

Labcorp Genetics (formerly Invitae), Labcorp
Classification: Pathogenic for Neurofibromatosis, type 1. Last evaluated: 2024-08-31. Review status: criteria provided, single submitter. Criteria: Invitae Variant Classification Sherloc (09022015). Collection method: clinical testing. Allele origin: germline.
Comment: This sequence change creates a premature translational stop signal (p.Pro1532Leufs*21) in the NF1 gene. It is expected to result in an absent or disrupted protein product. Loss-of-function variants in NF1 are known to be pathogenic (PMID: 10712197, 23913538). This variant is not present in population databases (gnomAD no frequency). This variant has not been reported in the literature in individuals affected with NF1-related conditions. ClinVar contains an entry for this variant (Variation ID: 547648). RNA analysis performed to evaluate the impact of this premature translational stop signal on mRNA splicing indicates it does not significantly alter splicing (internal data). For these reasons, this variant has been classified as Pathogenic.

Ambry Genetics
Classification: Pathogenic for Cardiovascular phenotype; Hereditary cancer-predisposing syndrome. Last evaluated: 2021-08-11. Review status: criteria provided, single submitter. Criteria: Ambry Variant Classification Scheme 2023. Collection method: clinical testing. Allele origin: germline.
Comment: The c.4595delC variant, located in coding exon 34 of the NF1 gene, results from a deletion of one nucleotide at nucleotide position 4595, causing a translational frameshift with a predicted alternate stop codon (p.P1532Lfs*21). This alteration is expected to result in loss of function by premature protein truncation or nonsense-mediated mRNA decay. As such, this alteration is interpreted as a disease-causing mutation.

Center for Human Genetics, Inc
Classification: Likely pathogenic for Neurofibromatosis, type 1. Last evaluated: 2016-11-01. Review status: criteria provided, single submitter. Criteria: ACMG Guidelines, 2015. Collection method: clinical testing. Allele origin: germline. Affected: yes.

Literature cited by the submitters: PubMed 10712197 (cited by Labcorp Genetics (formerly Invitae), Labcorp); PubMed 23913538 (cited by Labcorp Genetics (formerly Invitae), Labcorp).

NM_001042492.3(NF1):c.4658del (p.Pro1553fs)

Gene: NF1 (neurofibromin 1; plus strand). Cytogenetic location: 17q11.2.
Variant type: Deletion.
Coding change: c.4658del on transcript NM_001042492.3 (MANE Select); coding-DNA position 4658, one base deleted (C; older notation c.4658delC).
Protein change: p.Pro1553fs; shifts the reading frame from proline 1553.
Molecular consequence: frameshift variant.
Genome position (GRCh38, 1-based): chr17:31,261,791, C deleted; the last of 2 consecutive C bases (chr17:31,261,790-31,261,791); deleting either gives the same sequence. VCF-style (leftmost placement, unchanged base first): chr17-31261789-AC-A. GRCh37 (hg19) VCF-style: chr17-29588807-AC-A.
Other names: c.4595delC (NM_000267.3); c.4595delC, p.Pro1532Leufs (NM_000267.4); short protein forms P1532fs, P1553fs.
Identifiers: ClinVar variation 547648 (VCV000547648.5), dbSNP rs1555619029, ClinGen allele CA658824767.
Genomic context (GRCh38, chr17:31,261,789, plus strand): 5'-AAGACGACCTTTTGATAAGATGGCAACACTTCTTGCATACCTGGGTCCTCCAGAGCACAA[AC>A]CTGTGGCAGATACACACTGGTCCAGCCTTAACCTTACCAGTTCAAAGTTTGAGGAATTTA-3'